The following is an entry in ClinVar:

NM_002857.3(PEX19):c.-14T>G

Gene: PEX19 (peroxisomal biogenesis factor 19; minus strand). Cytogenetic location: 1q23.2.
Variant type: single nucleotide variant.
Coding change: c.-14T>G on transcript NM_002857.3; 14 bases upstream of the start codon, T replaced by G.
Molecular consequence: 5 prime UTR variant (on NM_001193644.1).
Genome position (GRCh38, 1-based): chr1:160,285,138, A>C on the plus strand (T>G on the coding strand, the complement: PEX19 is on the minus strand). VCF-style: chr1-160285138-A-C. GRCh37 (hg19) VCF-style: chr1-160254928-A-C.
Other names: c.-14T>G (NM_001193644.1).
Identifiers: ClinVar variation 293236 (VCV000293236.9), dbSNP rs2301297, ClinGen allele CA1197527.

ClinVar aggregate classification (germline): Benign. Review status: criteria provided, multiple submitters, no conflicts (2 of 4 stars). 3 submissions from 3 submitters: Benign (3). Last evaluated 2020-09-08.

Conditions:
Peroxisome biogenesis disorder 12A (Zellweger). Also called: Peroxisome biogenesis disorder 12A. Identifiers: Orphanet 912, MedGen C3554002, MONDO:0013951, OMIM 614886.

Allele frequency attached by ClinVar (database versions not stated): ESP Exome Variant Server 0.00062; gnomAD 0.00535 and 0.00650; TOPMed 0.00577; ExAC 0.00918; gnomAD exomes 0.00372 and 0.01034; 1000 Genomes Project 30x 0.02171; 1000 Genomes Project 0.02216.
gnomAD v4.1: 6,557 of 1,610,402 alleles (0.41%); highest among the groups gnomAD compares: East Asian, 7.4%; 162 homozygotes.

Submissions (3):

GeneDx
Classification: Benign. Last evaluated: 2020-09-08. Review status: criteria provided, single submitter. Criteria: GeneDx Variant Classification Process June 2021. Collection method: clinical testing. Allele origin: germline. Affected: yes.

Illumina Laboratory Services, Illumina
Classification: Benign for Peroxisome biogenesis disorder 12A (Zellweger). Last evaluated: 2018-01-12. Review status: criteria provided, single submitter. Criteria: ICSL Variant Classification Criteria 13 December 2019. Collection method: clinical testing. Allele origin: germline.
Comment: This variant was observed in the ICSL laboratory as part of a predisposition screen in an ostensibly healthy population. It had not been previously curated by ICSL or reported in the Human Gene Mutation Database (HGMD: prior to June 1st, 2018), and was therefore a candidate for classification through an automated scoring system. Utilizing variant allele frequency, disease prevalence and penetrance estimates, and inheritance mode, an automated score was calculated to assess if this variant is too frequent to cause the disease. Based on the score and internal cut-off values, a variant classified as benign is not then subjected to further curation. The score for this variant resulted in a classification of benign for this disease.

Breakthrough Genomics
Classification: Benign. Review status: criteria provided, single submitter. Criteria: ACMG Guidelines, 2015. Collection method: not provided. Allele origin: germline. Inheritance: Autosomal recessive inheritance. Affected: yes.